The following is an entry in ClinVar:

NM_201384.3(PLEC):c.6067C>T (p.Arg2023Cys)

Gene: PLEC (plectin; minus strand). Cytogenetic location: 8q24.3.
Variant type: single nucleotide variant.
Coding change: c.6067C>T on transcript NM_201384.3 (MANE Select); coding-DNA position 6067, C replaced by T.
Protein change: p.Arg2023Cys; replaces arginine 2023 with cysteine.
Molecular consequence: missense variant.
Genome position (GRCh38, 1-based): chr8:143,923,862, G>A on the plus strand (C>T on the coding strand, the complement: PLEC is on the minus strand). VCF-style: chr8-143923862-G-A. GRCh37 (hg19) VCF-style: chr8-144998030-G-A.
Other names: c.6148C>T, p.Arg2050Cys (NM_000445.5); c.6025C>T, p.Arg2009Cys (NM_201378.4); c.6001C>T, p.Arg2001Cys (NM_201379.3); c.6478C>T, p.Arg2160Cys (NM_201380.4); c.5971C>T, p.Arg1991Cys (NM_201381.3); c.6067C>T, p.Arg2023Cys (NM_201382.4); c.6079C>T, p.Arg2027Cys (NM_201383.3); c.6148C>T (NM_000445.3); short protein forms R2023C, R2001C, R2009C, R2027C, R1991C, R2050C, R2160C.
Identifiers: ClinVar variation 581006 (VCV000581006.11), dbSNP rs782091586, ClinGen allele CA4926120.

ClinVar aggregate classification (germline): Uncertain significance. Review status: criteria provided, multiple submitters, no conflicts (2 of 4 stars). 4 submissions from 4 submitters: Uncertain significance (4). Last evaluated 2025-11-27.

Conditions:
Autosomal recessive limb-girdle muscular dystrophy type 2Q (LGMDR17). Also called: MUSCULAR DYSTROPHY, LIMB-GIRDLE, AUTOSOMAL RECESSIVE 17. Identifiers: Orphanet 254361, MedGen C3150989, MONDO:0013390, OMIM 613723.
Epidermolysis bullosa simplex 5B, with muscular dystrophy (EBS5B). Also called: Epidermolysis bullosa simplex with muscular dystrophy; EPIDERMOLYSIS BULLOSA SIMPLEX AND LIMB-GIRDLE MUSCULAR DYSTROPHY. Identifiers: Orphanet 257, MedGen C2931072, MONDO:0009181, OMIM 226670.
Epidermolysis bullosa simplex, Ogna type (EBS5A). Also called: EPIDERMOLYSIS BULLOSA SIMPLEX 5A, OGNA TYPE; Pidermolysis bullosa simplex 5A, Ogna type. Identifiers: Orphanet 79401, MedGen C0432317, MONDO:0007555, OMIM 131950.
Epidermolysis bullosa simplex 5C, with pyloric atresia (EBS5C). Also called: PLEC-Related Epidermolysis Bullosa with Pyloric Atresia; Epidermolysis bullosa simplex with pyloric atresia; PLEC1-Related Epidermolysis Bullosa with Pyloric Atresia. Identifiers: Orphanet 158684, MedGen C2677349, MONDO:0012807, OMIM 612138.
Epidermolysis bullosa simplex with nail dystrophy (EBS5D). Identifiers: MedGen C4225309, MONDO:0014661, OMIM 616487.
Inborn genetic diseases. Identifiers: MedGen C0950123, MeSH D030342.

Allele frequency attached by ClinVar (database versions not stated): gnomAD 0.00005 and 0.00006; TOPMed 0.00006; gnomAD exomes 0.00007; ExAC 0.00012.
gnomAD v4.1: 49 of 1,591,722 alleles (0.0031%); highest among the groups gnomAD compares: African/African-American, 0.0094%; no homozygotes.

Submissions (4):

Labcorp Genetics (formerly Invitae), Labcorp
Classification: Uncertain significance for Autosomal recessive limb-girdle muscular dystrophy type 2Q; Epidermolysis bullosa simplex, Ogna type; Epidermolysis bullosa simplex with nail dystrophy; Epidermolysis bullosa simplex 5C, with pyloric atresia; Epidermolysis bullosa simplex 5B, with muscular dystrophy. Last evaluated: 2025-11-27. Review status: criteria provided, single submitter. Criteria: Invitae Variant Classification Sherloc (09022015). Collection method: clinical testing. Allele origin: germline.
Comment: This sequence change replaces arginine, which is basic and polar, with cysteine, which is neutral and slightly polar, at codon 2050 of the PLEC protein (p.Arg2050Cys). This variant is present in population databases (rs782091586, gnomAD 0.03%). This variant has not been reported in the literature in individuals affected with PLEC-related conditions. ClinVar contains an entry for this variant (Variation ID: 581006). An algorithm developed to predict the effect of missense changes on protein structure and function (PolyPhen-2) suggests that this variant is likely to be tolerated. In summary, the available evidence is currently insufficient to determine the role of this variant in disease. Therefore, it has been classified as a Variant of Uncertain Significance.

Ambry Genetics
Classification: Uncertain significance for Inborn genetic diseases. Last evaluated: 2025-07-31. Review status: criteria provided, single submitter. Criteria: Ambry Variant Classification Scheme 2023. Collection method: clinical testing. Allele origin: germline.

Blueprint Genetics
Classification: Uncertain significance. Last evaluated: 2023-12-07. Review status: criteria provided, single submitter. Criteria: ACMG Guidelines, 2015. Collection method: clinical testing. Allele origin: germline.

GeneDx
Classification: Uncertain significance. Last evaluated: 2023-03-16. Review status: criteria provided, single submitter. Criteria: GeneDx Variant Classification Process June 2021. Collection method: clinical testing. Allele origin: germline. Affected: yes.
Comment: In silico analysis supports that this missense variant has a deleterious effect on protein structure/function; Has not been previously published as pathogenic or benign to our knowledge